The following is an entry in ClinVar:

NM_001009996.3(DALRD3):c.253C>T (p.Leu85=)

Gene: DALRD3 (DALR anticodon binding domain containing 3; minus strand). Cytogenetic location: 3p21.31.
Variant type: single nucleotide variant.
Coding change: c.253C>T on transcript NM_001009996.3 (MANE Select); coding-DNA position 253, C replaced by T.
Protein change: p.Leu85=; no amino-acid change (leucine 85 retained).
Molecular consequence: synonymous variant. On other transcripts: 5 prime UTR variant (1).
Genome position (GRCh38, 1-based): chr3:49,018,231, G>A on the plus strand (C>T on the coding strand, the complement: DALRD3 is on the minus strand). VCF-style: chr3-49018231-G-A. GRCh37 (hg19) VCF-style: chr3-49055664-G-A.
Other names: c.253C>T, p.Leu85= (NM_001276405.2); c.-249C>T (NM_018114.6).
Identifiers: ClinVar variation 3771077 (VCV003771077.13).
Genomic context (GRCh38, chr3:49,018,231, plus strand): 5'-AGGCGGCCACGGCGCTGAGGACGCGCTCGAAGACGGCGGACCGCTGCAGTTGGAGAGACA[G>A]ACCCGCGGGGGTCGGCGCGCAGCGCAGCACCGGGGCCACACCGGGGCCCTGCAGGCAGGC-3'
Protein context (NP_001009996.1, residues 75-95): VLRCAPTPAG[Leu85=]SLQLQRSAVF

ClinVar aggregate classification (germline): Likely benign (1 of 4 stars; one submission).

gnomAD v4.1: 1 of 1,439,590 alleles (0.000069%); highest among the groups gnomAD compares: Non-Finnish European, 0.00009%; no homozygotes.

Submission:

CeGaT Center for Human Genetics Tuebingen
Classification: Likely benign. Last evaluated: 2025-02-01. Review status: criteria provided, single submitter. Criteria: CeGaT Center For Human Genetics Tuebingen Variant Classification Criteria Version 2. Collection method: clinical testing. Allele origin: germline. Affected: yes. Observed: 1 variant allele.
Comment: DALRD3: BP4, BP7